The following is an entry in ClinVar:

NM_015338.6(ASXL1):c.1487A>G (p.Asn496Ser)

Gene: ASXL1 (ASXL transcriptional regulator 1; plus strand). Cytogenetic location: 20q11.21.
Variant type: single nucleotide variant.
Coding change: c.1487A>G on transcript NM_015338.6 (MANE Select); coding-DNA position 1487, A replaced by G.
Protein change: p.Asn496Ser; replaces asparagine 496 with serine.
Molecular consequence: missense variant.
Genome position (GRCh38, 1-based): chr20:32,433,685, A>G. VCF-style: chr20-32433685-A-G. GRCh37 (hg19) VCF-style: chr20-31021488-A-G.
Other names: c.1304A>G, p.Asn435Ser (NM_001363734.1); short protein forms N435S, N496S.
Identifiers: ClinVar variation 4159477 (VCV004159477.1).

ClinVar aggregate classification (germline): Uncertain significance (1 of 4 stars; one submission).

Conditions:
Inborn genetic diseases. Identifiers: MedGen C0950123, MeSH D030342.

Submission:

Ambry Genetics
Classification: Uncertain significance for Inborn genetic diseases. Last evaluated: 2025-09-04. Review status: criteria provided, single submitter. Criteria: Ambry Variant Classification Scheme 2023. Collection method: clinical testing. Allele origin: germline.
Comment: The p.N496S variant (also known as c.1487A>G), located in coding exon 12 of the ASXL1 gene, results from an A to G substitution at nucleotide position 1487. The asparagine at codon 496 is replaced by serine, an amino acid with highly similar properties. This amino acid position is conserved. In addition, this alteration is predicted to be tolerated by in silico analysis. Based on the available evidence, the clinical significance of this variant remains unclear.